The following is an entry in ClinVar:

ClinVar aggregate classification (germline): Uncertain significance (1 of 4 stars; one submission).

Conditions:
Gorlin syndrome. Also called: Basal cell nevus syndrome; Nevoid Basal Cell Carcinoma Syndrome. Identifiers: Orphanet 377, MedGen C0004779, MONDO:0007187.

Allele frequency attached by ClinVar (database versions not stated): ExAC 0.00001; gnomAD exomes 0.00001.
gnomAD v4.1: 11 of 1,613,200 alleles (0.00068%); highest among the groups gnomAD compares: East Asian, 0.0045%; no homozygotes.

Submission:

Labcorp Genetics (formerly Invitae), Labcorp
Classification: Uncertain significance for Gorlin syndrome. Last evaluated: 2023-04-10. Review status: criteria provided, single submitter. Criteria: Invitae Variant Classification Sherloc (09022015). Collection method: clinical testing. Allele origin: germline.
Comment: In summary, the available evidence is currently insufficient to determine the role of this variant in disease. Therefore, it has been classified as a Variant of Uncertain Significance. Advanced modeling of protein sequence and biophysical properties (such as structural, functional, and spatial information, amino acid conservation, physicochemical variation, residue mobility, and thermodynamic stability) performed at Invitae indicates that this missense variant is not expected to disrupt PTCH2 protein function. This variant has not been reported in the literature in individuals affected with PTCH2-related conditions. This variant is present in population databases (rs762521182, gnomAD 0.006%). This sequence change replaces arginine, which is basic and polar, with tryptophan, which is neutral and slightly polar, at codon 961 of the PTCH2 protein (p.Arg961Trp).

NM_003738.5(PTCH2):c.2881C>T (p.Arg961Trp)

Gene: PTCH2 (patched 2; minus strand). Cytogenetic location: 1p34.1.
Variant type: single nucleotide variant.
Coding change: c.2881C>T on transcript NM_003738.5 (MANE Select); coding-DNA position 2881, C replaced by T.
Protein change: p.Arg961Trp; replaces arginine 961 with tryptophan.
Molecular consequence: missense variant.
Genome position (GRCh38, 1-based): chr1:44,826,583, G>A on the plus strand (C>T on the coding strand, the complement: PTCH2 is on the minus strand). VCF-style: chr1-44826583-G-A. GRCh37 (hg19) VCF-style: chr1-45292255-G-A.
Other names: c.2881C>T, p.Arg961Trp (NM_001166292.2); short protein forms R961W.
Identifiers: ClinVar variation 2898311 (VCV002898311.3), dbSNP rs762521182, ClinGen allele CA822868.